The following is an entry in ClinVar:

ClinVar aggregate classification (germline): Uncertain significance (1 of 4 stars; one submission).

Submission:

Ambry Genetics
Classification: Uncertain significance. Last evaluated: 2023-02-04. Review status: criteria provided, single submitter. Criteria: Ambry Variant Classification Scheme 2023. Collection method: clinical testing. Allele origin: germline.
Comment: The p.Q151R variant (also known as c.452A>G), located in coding exon 4 of the RINT1 gene, results from an A to G substitution at nucleotide position 452. The glutamine at codon 151 is replaced by arginine, an amino acid with highly similar properties. This amino acid position is conserved. In addition, the in silico prediction for this alteration is inconclusive. Since supporting evidence is limited at this time, the clinical significance of this alteration remains unclear.

NM_021930.6(RINT1):c.452A>G (p.Gln151Arg)

Gene: RINT1 (RAD50 interactor 1; plus strand). Cytogenetic location: 7q22.3.
Variant type: single nucleotide variant.
Coding change: c.452A>G on transcript NM_021930.6 (MANE Select); coding-DNA position 452, A replaced by G.
Protein change: p.Gln151Arg; replaces glutamine 151 with arginine.
Molecular consequence: missense variant. On other transcripts: 5 prime UTR variant (3), non-coding transcript variant (1).
Genome position (GRCh38, 1-based): chr7:105,542,586, A>G. VCF-style: chr7-105542586-A-G. GRCh37 (hg19) VCF-style: chr7-105183033-A-G.
Other names: c.218A>G, p.Gln73Arg (NM_001346599.2); c.-568A>G (NM_001346600.2); c.-471A>G (NM_001346601.2); c.-91A>G (NM_001346603.2); short protein forms Q151R, Q73R.
Identifiers: ClinVar variation 2448424 (VCV002448424.2), dbSNP rs2485112977, ClinGen allele CA368803736.